The following is an entry in ClinVar:

NM_000329.3(RPE65):c.1384G>T (p.Glu462Ter)

Gene: RPE65 (retinoid isomerohydrolase RPE65; minus strand). Cytogenetic location: 1p31.3.
Variant type: single nucleotide variant.
Coding change: c.1384G>T on transcript NM_000329.3 (MANE Select); coding-DNA position 1384, G replaced by T.
Protein change: p.Glu462Ter; replaces glutamic acid 462 with a stop codon.
Molecular consequence: nonsense.
Genome position (GRCh38, 1-based): chr1:68,431,131, C>A on the plus strand (G>T on the coding strand, the complement: RPE65 is on the minus strand). VCF-style: chr1-68431131-C-A. GRCh37 (hg19) VCF-style: chr1-68896814-C-A.
Other names: short protein forms E462*.
Identifiers: ClinVar variation 98845 (VCV000098845.11), dbSNP rs62637006, ClinGen allele CA226513.

ClinVar aggregate classification (germline): Pathogenic/Likely pathogenic. Review status: criteria provided, multiple submitters, no conflicts (2 of 4 stars). 8 submissions from 8 submitters: Pathogenic (4); Likely pathogenic (1). 3 of the submissions do not count toward it. Last evaluated 2024-05-16.

Conditions:
Leber congenital amaurosis (LCA). Also called: Leber's amaurosis. Identifiers: Orphanet 65, MedGen C0339527, MeSH D057130, MONDO:0018998.
Retinitis pigmentosa 20 (RP20). Identifiers: Orphanet 791, MedGen C3151086, MONDO:0013425, OMIM 613794.
Leber congenital amaurosis 2 (LCA2). Also called: AMAUROSIS CONGENITA OF LEBER II; Autosomal Recessive RPE65-Related Retinal Degeneration. Identifiers: Orphanet 65, MedGen C1859844, MONDO:0008765, OMIM 204100. Disease mechanism: loss of function.
RPE65-related disorder. Also called: RPE65-related disorders; RPE65-related condition. Identifiers: MedGen CN239301.

gnomAD v4.1: 1 of 1,613,836 alleles (0.000062%); highest among the groups gnomAD compares: Non-Finnish European, 0.000085%; no homozygotes.

Submissions (8):

Natera, Inc.
Classification: Pathogenic for Leber congenital amaurosis. Last evaluated: 2024-05-16. Review status: criteria provided, single submitter. Criteria: Natera Variant Classification Schema (03/2026). Collection method: clinical testing. Allele origin: germline.
Comment: The c.1384G>T variant in RPE65 is a nonsense variant predicted to introduce a stop codon at amino acid 462. This variant is expected to result in nonsense mediated decay, truncation, or a dysfunctional protein product. This variant is rare in the general population with a frequency below the threshold expected for the associated phenotype(s). This variant has been observed in one or more individuals affected with the associated recessive disease, as either homozygous or compound heterozygous with a second variant (PMID: 28559085). Given the available evidence, this variant is classified as Pathogenic.

Baylor Genetics
Classification: Pathogenic for Leber congenital amaurosis 2. Last evaluated: 2023-03-14. Review status: criteria provided, single submitter. Criteria: ACMG Guidelines, 2015. Collection method: clinical testing. Allele origin: unknown.

Labcorp Genetics (formerly Invitae), Labcorp
Classification: Pathogenic for Leber congenital amaurosis 2; Retinitis pigmentosa 20. Last evaluated: 2022-12-17. Review status: criteria provided, single submitter. Criteria: Invitae Variant Classification Sherloc (09022015). Collection method: clinical testing. Allele origin: germline.
Comment: For these reasons, this variant has been classified as Pathogenic. Algorithms developed to predict the effect of sequence changes on RNA splicing suggest that this variant may disrupt the consensus splice site. ClinVar contains an entry for this variant (Variation ID: 98845). This premature translational stop signal has been observed in individual(s) with autosomal recessive Leber congenital amaurosis and severe early childhood onset retinal dystrophy (PMID: 10766140, 28559085). This variant is not present in population databases (gnomAD no frequency). This sequence change creates a premature translational stop signal (p.Glu462*) in the RPE65 gene. It is expected to result in an absent or disrupted protein product. Loss-of-function variants in RPE65 are known to be pathogenic (PMID: 9326941, 9501220, 9843205, 18632300).

Blueprint Genetics
Classification: Pathogenic for RPE65-related disorders. Last evaluated: 2022-04-02. Review status: criteria provided, single submitter. Criteria: ACMG Guidelines, 2015. Collection method: clinical testing. Allele origin: germline. Affected: yes. Observed: 1 variant allele.

Ocular Genomics Institute, Massachusetts Eye and Ear
Classification: Likely pathogenic for Retinitis pigmentosa 20. Last evaluated: 2021-04-08. Review status: criteria provided, single submitter. Criteria: ACMG Guidelines, 2015. Collection method: research. Allele origin: germline. Affected: yes.
Comment: Through a review of available evidence we were able to apply the following criteria: PVS1, PM2. Based on this evidence we have classified this variant as Likely Pathogenic.

Zotz-Klimas Genetics Lab, MVZ Zotz Klimas
Classification: Pathogenic for Leber congenital amaurosis 2. Last evaluated: 2023-11-24. Review status: no assertion criteria provided. Collection method: clinical testing. Allele origin: germline. Affected: yes. Not counted in ClinVar's aggregate classification.

Laboratory of Genetics in Ophthalmology, Institut Imagine
Classification: Pathogenic for Leber congenital amaurosis 2. Review status: no assertion criteria provided. Collection method: research. Allele origin: inherited. Affected: yes. Observed: 1 variant allele. Not counted in ClinVar's aggregate classification.

Retina International
No classification provided. Review status: no classification provided. Collection method: not provided. Allele origin: not provided. Not counted in ClinVar's aggregate classification.

Literature cited by the submitters: PubMed 28559085 (cited by Natera, Inc. and Labcorp Genetics (formerly Invitae), Labcorp); PubMed 10766140 (cited by Labcorp Genetics (formerly Invitae), Labcorp and Laboratory of Genetics in Ophthalmology, Institut Imagine); PubMed 9326941 (cited by Labcorp Genetics (formerly Invitae), Labcorp); PubMed 9501220 (cited by Labcorp Genetics (formerly Invitae), Labcorp); PubMed 9843205 (cited by Labcorp Genetics (formerly Invitae), Labcorp); PubMed 18632300 (cited by Labcorp Genetics (formerly Invitae), Labcorp).